The following is an entry in ClinVar:

NM_001165963.4(SCN1A):c.5551G>T (p.Ala1851Ser)

Genes: SCN1A (sodium voltage-gated channel alpha subunit 1; minus strand), LOC102724058 (uncharacterized LOC102724058; plus strand). Cytogenetic location: 2q24.3.
Variant type: single nucleotide variant.
Coding change: c.5551G>T on transcript NM_001165963.4 (MANE Select); coding-DNA position 5551, G replaced by T.
Protein change: p.Ala1851Ser; replaces alanine 1851 with serine.
Molecular consequence: missense variant. On other transcripts: non-coding transcript variant (1).
Genome position (GRCh38, 1-based): chr2:165,991,724, C>A on the plus strand (G>T on the coding strand, the complement: SCN1A is on the minus strand). VCF-style: chr2-165991724-C-A. GRCh37 (hg19) VCF-style: chr2-166848234-C-A.
Other names: c.5467G>T, p.Ala1823Ser (NM_001165964.3, NM_001353957.2, NM_001353958.2); c.5551G>T, p.Ala1851Ser (NM_001202435.3, NM_001353948.2); c.5518G>T, p.Ala1840Ser (NM_001353949.2, NM_001353950.2, NM_001353951.2 and 2 more transcripts); c.5515G>T, p.Ala1839Ser (NM_001353954.2, NM_001353955.2); c.5464G>T, p.Ala1822Ser (NM_001353960.2); c.3109G>T, p.Ala1037Ser (NM_001353961.2); short protein forms A1037S, A1822S, A1823S, A1839S, A1840S, A1851S.
Identifiers: ClinVar variation 1018227 (VCV001018227.9), dbSNP rs1689185359, ClinGen allele CA349065475.

ClinVar aggregate classification (germline): Uncertain significance (1 of 4 stars; one submission).

Conditions:
Early-infantile DEE. Also called: Ohtahara syndrome; Early infantile epileptic encephalopathy with suppression bursts; Early infantile epileptic encephalopathy. Identifiers: Orphanet 1934, MedGen C0393706, MONDO:0800491.

Submission:

Labcorp Genetics (formerly Invitae), Labcorp
Classification: Uncertain significance for Early-infantile DEE. Last evaluated: 2020-06-19. Review status: criteria provided, single submitter. Criteria: Invitae Variant Classification Sherloc (09022015). Collection method: clinical testing. Allele origin: germline.
Comment: This sequence change replaces alanine with serine at codon 1851 of the SCN1A protein (p.Ala1851Ser). The alanine residue is highly conserved and there is a moderate physicochemical difference between alanine and serine. This variant is not present in population databases (ExAC no frequency). This variant has not been reported in the literature in individuals with SCN1A-related conditions. Algorithms developed to predict the effect of missense changes on protein structure and function are either unavailable or do not agree on the potential impact of this missense change (SIFT: "Tolerated"; PolyPhen-2: "Possibly Damaging"; Align-GVGD: "Class C0"). In summary, the available evidence is currently insufficient to determine the role of this variant in disease. Therefore, it has been classified as a Variant of Uncertain Significance.